The following is an entry in ClinVar:

ClinVar aggregate classification (germline): Uncertain significance (1 of 4 stars; one submission).

Allele frequency attached by ClinVar (database versions not stated): gnomAD exomes below 0.00001; TOPMed below 0.00001.

Submission:

Labcorp Genetics (formerly Invitae), Labcorp
Classification: Uncertain significance. Last evaluated: 2022-11-29. Review status: criteria provided, single submitter. Criteria: Invitae Variant Classification Sherloc (09022015). Collection method: clinical testing. Allele origin: germline.
Comment: This missense change has been observed in individual(s) with PRPF6-related conditions (PMID: 31054281). In summary, the available evidence is currently insufficient to determine the role of this variant in disease. Therefore, it has been classified as a Variant of Uncertain Significance. Advanced modeling of protein sequence and biophysical properties (such as structural, functional, and spatial information, amino acid conservation, physicochemical variation, residue mobility, and thermodynamic stability) performed at Invitae indicates that this missense variant is not expected to disrupt PRPF6 protein function. ClinVar contains an entry for this variant (Variation ID: 1478099). This variant is not present in population databases (gnomAD no frequency). This sequence change replaces alanine, which is neutral and non-polar, with valine, which is neutral and non-polar, at codon 552 of the PRPF6 protein (p.Ala552Val).

Literature cited by the submitters: PubMed 31054281.

NM_012469.4(PRPF6):c.1655C>T (p.Ala552Val)

Gene: PRPF6 (pre-mRNA processing factor 6; plus strand). Cytogenetic location: 20q13.33.
Variant type: single nucleotide variant.
Coding change: c.1655C>T on transcript NM_012469.4 (MANE Select); coding-DNA position 1655, C replaced by T.
Protein change: p.Ala552Val; replaces alanine 552 with valine.
Molecular consequence: missense variant.
Genome position (GRCh38, 1-based): chr20:64,022,764, C>T. VCF-style: chr20-64022764-C-T. GRCh37 (hg19) VCF-style: chr20-62654117-C-T.
Other names: short protein forms A552V.
Identifiers: ClinVar variation 1478099 (VCV001478099.6), dbSNP rs930071896, ClinGen allele CA317546447.
Genomic context (GRCh38, chr20:64,022,764, plus strand): 5'-TTGTTCTGTGGCCAGTGCTGGGCTGCCCATTCTCATGTCTCTCTCTGCTCTAGTGTGTAG[C>T]CCACAATGCCCTGGAGTGTGCACGAGCCATCTACGCCTACGCCCTGCAGGTGTTCCCCAG-3'
Protein context (NP_036601.2, residues 542-562): TWMEDADSCV[Ala552Val]HNALECARAI